The following is an entry in ClinVar:

NM_145868.2(ANXA11):c.408del (p.Gly137fs)

Gene: ANXA11 (annexin A11; minus strand). Cytogenetic location: 10q22.3.
Variant type: Deletion.
Coding change: c.408del on transcript NM_145868.2 (MANE Select); coding-DNA position 408, one base deleted (C; older notation c.408delC).
Protein change: p.Gly137fs; shifts the reading frame from glycine 137.
Molecular consequence: frameshift variant.
Genome position (GRCh38, 1-based): chr10:80,169,122, G deleted on the plus strand (C on the coding strand, the reverse complement: ANXA11 is on the minus strand); the first of 6 consecutive G bases (chr10:80,169,122-80,169,127); deleting any one gives the same sequence. VCF-style (leftmost placement, unchanged base first): chr10-80169121-CG-C. GRCh37 (hg19) VCF-style: chr10-81928877-CG-C.
Other names: p.Gly137Aspfs*14; c.408del, p.Gly137fs (NM_001157.3, NM_001278407.2, NM_001278408.2 and 1 more transcripts); c.309del, p.Gly104fs (NM_001278409.2); c.408del (NM_001157.2); short protein forms G104fs, G137fs.
Identifiers: ClinVar variation 760053 (VCV000760053.11), dbSNP rs771435989, ClinGen allele CA5576288.

ClinVar aggregate classification (germline): Conflicting classifications of pathogenicity. Review status: criteria provided, conflicting classifications (1 of 4 stars). 4 submissions from 4 submitters: Uncertain significance (1); Likely benign (3). Last evaluated 2025-11-17.

Conditions:
Inborn genetic diseases. Identifiers: MedGen C0950123, MeSH D030342.

Submissions (4):

Labcorp Genetics (formerly Invitae), Labcorp
Classification: Likely benign. Last evaluated: 2025-11-17. Review status: criteria provided, single submitter. Criteria: Invitae Variant Classification Sherloc (09022015). Collection method: clinical testing. Allele origin: germline.

Mayo Clinic Laboratories, Mayo Clinic
Classification: Likely benign. Last evaluated: 2025-08-25. Review status: criteria provided, single submitter. Criteria: ACMG Guidelines, 2015. Collection method: clinical testing. Allele origin: germline. Observed: 1 variant allele.
Comment: BS1

GeneDx
Classification: Uncertain significance. Last evaluated: 2024-08-07. Review status: criteria provided, single submitter. Criteria: GeneDx Variant Classification Process June 2021. Collection method: clinical testing. Allele origin: germline. Affected: yes.
Comment: Frameshift variant predicted to result in protein truncation or nonsense mediated decay in a gene or region of a gene for which loss of function is not a well-established mechanism of disease; Has not been previously published as pathogenic or benign to our knowledge

Ambry Genetics
Classification: Likely benign for Inborn genetic diseases. Last evaluated: 2021-11-15. Review status: criteria provided, single submitter. Criteria: Ambry Variant Classification Scheme 2023. Collection method: clinical testing. Allele origin: germline.